The following is an entry in ClinVar:

NM_000492.4(CFTR):c.253G>T (p.Gly85Ter)

Gene: CFTR (CF transmembrane conductance regulator; plus strand). Cytogenetic location: 7q31.2.
Variant type: single nucleotide variant.
Coding change: c.253G>T on transcript NM_000492.4 (MANE Select); coding-DNA position 253, G replaced by T.
Protein change: p.Gly85Ter; replaces glycine 85 with a stop codon.
Molecular consequence: nonsense.
Genome position (GRCh38, 1-based): chr7:117,509,122, G>T. VCF-style: chr7-117509122-G-T. GRCh37 (hg19) VCF-style: chr7-117149176-G-T.
Other names: c.253G>T (NM_000492.3); short protein forms G85*.
Identifiers: ClinVar variation 813400 (VCV000813400.8), dbSNP rs1584776437, ClinGen allele CA368972280.

ClinVar aggregate classification (germline): Pathogenic/Likely pathogenic. Review status: criteria provided, multiple submitters, no conflicts (2 of 4 stars). 4 submissions from 4 submitters: Pathogenic (2); Likely pathogenic (1). 1 of the submissions does not count toward it. Last evaluated 2025-04-02.

Conditions:
Cystic fibrosis (CF). Also called: MUCOVISCIDOSIS. Identifiers: Orphanet 586, MedGen C0010674, MONDO:0009061, OMIM 219700. Disease mechanism: loss of function.
Congenital bilateral aplasia of vas deferens from CFTR mutation (CBAVD). Identifiers: Orphanet 48, MedGen C0403814, MONDO:0010178, OMIM 277180. Disease mechanism: loss of function.

Allele frequency attached by ClinVar (database versions not stated): gnomAD exomes below 0.00001.
gnomAD v4.1: 1 of 1,595,794 alleles (0.000063%); highest among the groups gnomAD compares: South Asian, 0.0011%; no homozygotes.

Submissions (4):

Quest Diagnostics Nichols Institute San Juan Capistrano
Classification: Pathogenic. Last evaluated: 2025-04-02. Review status: criteria provided, single submitter. Criteria: Quest Diagnostics criteria. Collection method: clinical testing. Allele origin: unknown.
Comment: The CFTR c.253G>T (p.Gly85*) variant causes the premature termination of CFTR protein synthesis. This variant has been reported in the published literature in at least one individual affected with cystic fibrosis (CF) (PMID: 38966678 (2024)). This variant has not been reported in large, multi-ethnic general populations (Genome Aggregation Database). Based on the available information, this variant is classified as pathogenic.

Labcorp Genetics (formerly Invitae), Labcorp
Classification: Pathogenic for Cystic fibrosis. Last evaluated: 2022-03-31. Review status: criteria provided, single submitter. Criteria: Invitae Variant Classification Sherloc (09022015). Collection method: clinical testing. Allele origin: germline.
Comment: Algorithms developed to predict the effect of sequence changes on RNA splicing suggest that this variant may disrupt the consensus splice site. ClinVar contains an entry for this variant (Variation ID: 813400). This variant has not been reported in the literature in individuals affected with CFTR-related conditions. This variant is not present in population databases (gnomAD no frequency). This sequence change creates a premature translational stop signal (p.Gly85*) in the CFTR gene. It is expected to result in an absent or disrupted protein product. Loss-of-function variants in CFTR are known to be pathogenic (PMID: 1695717, 7691345, 9725922). For these reasons, this variant has been classified as Pathogenic.

Baylor Genetics
Classification: Likely pathogenic for Congenital bilateral aplasia of vas deferens from CFTR mutation; Cystic fibrosis. Review status: criteria provided, single submitter. Criteria: ACMG Guidelines, 2015. Collection method: clinical testing. Allele origin: germline.

Clinical Genetics Laboratory, Christian Medical College, Vellore
Classification: Pathogenic for Cystic fibrosis. Review status: no assertion criteria provided. Criteria: ACMG Guidelines, 2015. Collection method: clinical testing. Allele origin: germline. Affected: yes. Not counted in ClinVar's aggregate classification.

Literature cited by the submitters: PubMed 38966678 (cited by Quest Diagnostics Nichols Institute San Juan Capistrano); PubMed 1695717 (cited by Labcorp Genetics (formerly Invitae), Labcorp); PubMed 7691345 (cited by Labcorp Genetics (formerly Invitae), Labcorp); PubMed 9725922 (cited by Labcorp Genetics (formerly Invitae), Labcorp).